The following is an entry in ClinVar:

ClinVar aggregate classification (germline): Uncertain significance. Review status: criteria provided, multiple submitters, no conflicts (2 of 4 stars). 2 submissions from 2 submitters: Uncertain significance (2). Last evaluated 2024-07-23.

Conditions:
Primary ciliary dyskinesia. Also called: Ciliary dyskinesia. Identifiers: Orphanet 244, MedGen C0008780, MONDO:0016575, HP:0012265.

Allele frequency attached by ClinVar (database versions not stated): gnomAD exomes 0.00001; ExAC 0.00003; TOPMed 0.00011; gnomAD 0.00012; ESP Exome Variant Server 0.00025.
gnomAD v4.1: 29 of 1,611,372 alleles (0.0018%); highest among the groups gnomAD compares: African/African-American, 0.037%; no homozygotes.

Submissions (2):

Ambry Genetics
Classification: Uncertain significance for Primary ciliary dyskinesia. Last evaluated: 2024-07-23. Review status: criteria provided, single submitter. Criteria: Ambry Variant Classification Scheme 2023. Collection method: clinical testing. Allele origin: germline.

Labcorp Genetics (formerly Invitae), Labcorp
Classification: Uncertain significance for Primary ciliary dyskinesia. Last evaluated: 2022-03-16. Review status: criteria provided, single submitter. Criteria: Invitae Variant Classification Sherloc (09022015). Collection method: clinical testing. Allele origin: germline.
Comment: This sequence change replaces isoleucine, which is neutral and non-polar, with threonine, which is neutral and polar, at codon 603 of the CCDC39 protein (p.Ile603Thr). This variant is present in population databases (rs368733987, gnomAD 0.05%). This variant has not been reported in the literature in individuals affected with CCDC39-related conditions. Algorithms developed to predict the effect of missense changes on protein structure and function are either unavailable or do not agree on the potential impact of this missense change (SIFT: "Deleterious"; PolyPhen-2: "Probably Damaging"; Align-GVGD: "Class C0"). In summary, the available evidence is currently insufficient to determine the role of this variant in disease. Therefore, it has been classified as a Variant of Uncertain Significance.

NM_181426.2(CCDC39):c.1808T>C (p.Ile603Thr)

Gene: CCDC39 (coiled-coil domain 39 molecular ruler complex subunit; minus strand). Cytogenetic location: 3q26.33.
Variant type: single nucleotide variant.
Coding change: c.1808T>C on transcript NM_181426.2 (MANE Select); coding-DNA position 1808, T replaced by C.
Protein change: p.Ile603Thr; replaces isoleucine 603 with threonine.
Molecular consequence: missense variant.
Genome position (GRCh38, 1-based): chr3:180,642,059, A>G on the plus strand (T>C on the coding strand, the complement: CCDC39 is on the minus strand). VCF-style: chr3-180642059-A-G. GRCh37 (hg19) VCF-style: chr3-180359847-A-G.
Other names: c.1808T>C (NM_181426.1); short protein forms I603T.
Identifiers: ClinVar variation 1983223 (VCV001983223.2), dbSNP rs368733987, ClinGen allele CA2715868.